The following is an entry in ClinVar:

ClinVar aggregate classification (germline): Uncertain significance. Review status: criteria provided, multiple submitters, no conflicts (2 of 4 stars). 2 submissions from 2 submitters: Uncertain significance (2). Last evaluated 2022-07-19.

Conditions:
Emery-Dreifuss muscular dystrophy 4, autosomal dominant (EDMD4). Also called: EMERY-DREIFUSS MUSCULAR DYSTROPHY 4 WITH VARIABLE FEATURES. Identifiers: Orphanet 261, MedGen C2751807, MONDO:0013071, OMIM 612998.
Autosomal recessive ataxia, Beauce type. Also called: Spinocerebellar ataxia, autosomal recessive 8; ATAXIA, RECESSIVE, OF BEAUCE; SYNE1-Related Autosomal Recessive Cerebellar Ataxia; SYNE1 Deficiency. Identifiers: Orphanet 88644, MedGen C1853116, MONDO:0012549, OMIM 610743.

gnomAD v4.1: 6 of 1,611,616 alleles (0.00037%); highest among the groups gnomAD compares: South Asian, 0.0066%; no homozygotes.

Submissions (2):

Labcorp Genetics (formerly Invitae), Labcorp
Classification: Uncertain significance for Emery-Dreifuss muscular dystrophy 4, autosomal dominant; Autosomal recessive ataxia, Beauce type. Last evaluated: 2022-07-19. Review status: criteria provided, single submitter. Criteria: Invitae Variant Classification Sherloc (09022015). Collection method: clinical testing. Allele origin: germline.
Comment: This sequence change replaces lysine, which is basic and polar, with asparagine, which is neutral and polar, at codon 6366 of the SYNE1 protein (p.Lys6366Asn). This variant is not present in population databases (gnomAD no frequency). This variant has not been reported in the literature in individuals affected with SYNE1-related conditions. ClinVar contains an entry for this variant (Variation ID: 843714). Algorithms developed to predict the effect of missense changes on protein structure and function are either unavailable or do not agree on the potential impact of this missense change (SIFT: "Deleterious"; PolyPhen-2: "Benign"; Align-GVGD: "Class C35"). In summary, the available evidence is currently insufficient to determine the role of this variant in disease. Therefore, it has been classified as a Variant of Uncertain Significance.

Revvity Omics, Revvity
Classification: Uncertain significance. Last evaluated: 2021-03-19. Review status: criteria provided, single submitter. Criteria: ACMG Guidelines, 2015. Collection method: clinical testing. Allele origin: germline.

NM_182961.4(SYNE1):c.19311A>T (p.Lys6437Asn)

Gene: SYNE1 (spectrin repeat containing nuclear envelope protein 1; minus strand). Cytogenetic location: 6q25.2.
Variant type: single nucleotide variant.
Coding change: c.19311A>T on transcript NM_182961.4 (MANE Select); coding-DNA position 19311, A replaced by T.
Protein change: p.Lys6437Asn; replaces lysine 6437 with asparagine.
Molecular consequence: missense variant.
Genome position (GRCh38, 1-based): chr6:152,255,039, T>A on the plus strand (A>T on the coding strand, the complement: SYNE1 is on the minus strand). VCF-style: chr6-152255039-T-A. GRCh37 (hg19) VCF-style: chr6-152576174-T-A.
Other names: c.19098A>T, p.Lys6366Asn (NM_033071.5); short protein forms K6366N, K6437N.
Identifiers: ClinVar variation 843714 (VCV000843714.12), dbSNP rs2090468441, ClinGen allele CA366136579.